The following is an entry in ClinVar:

NM_001365951.3(KIF1B):c.2308G>T (p.Ala770Ser)

Gene: KIF1B (kinesin family member 1B; plus strand). Cytogenetic location: 1p36.22.
Variant type: single nucleotide variant.
Coding change: c.2308G>T on transcript NM_001365951.3 (MANE Select); coding-DNA position 2308, G replaced by T.
Protein change: p.Ala770Ser; replaces alanine 770 with serine.
Molecular consequence: missense variant.
Genome position (GRCh38, 1-based): chr1:10,321,807, G>T. VCF-style: chr1-10321807-G-T. GRCh37 (hg19) VCF-style: chr1-10381865-G-T.
Other names: c.2308G>T, p.Ala770Ser (NM_001365952.1); c.2170G>T, p.Ala724Ser (NM_015074.3); short protein forms A724S, A770S.
Identifiers: ClinVar variation 1787094 (VCV001787094.2), dbSNP rs138671330, ClinGen allele CA581496.
Genomic context (GRCh38, chr1:10,321,807, plus strand): 5'-GCCTTCCGGAAATGGAAGTCTCATCAGTTTACTTCATTACGGGACTTACTCTGGGGCAAT[G>T]CCGTGTACCTAAAGGAGGCCAATGCCATCAGTGTGGAACTGAAAAAGAAGGTATGGAGCA-3'
Protein context (NP_001352880.1, residues 760-780): TSLRDLLWGN[Ala770Ser]VYLKEANAIS

ClinVar aggregate classification (germline): Uncertain significance (1 of 4 stars; one submission).

Allele frequency attached by ClinVar (database versions not stated): TOPMed below 0.00001; gnomAD 0.00001; gnomAD exomes 0.00001; ExAC 0.00002; ESP Exome Variant Server 0.00008.
gnomAD v4.1: 5 of 1,614,092 alleles (0.00031%); highest among the groups gnomAD compares: Non-Finnish European, 0.00042%; no homozygotes.

Submission:

Ambry Genetics
Classification: Uncertain significance. Last evaluated: 2024-01-25. Review status: criteria provided, single submitter. Criteria: Ambry Variant Classification Scheme 2023. Collection method: clinical testing. Allele origin: germline.
Comment: The p.A724S variant (also known as c.2170G>T), located in coding exon 21 of the KIF1B gene, results from a G to T substitution at nucleotide position 2170. The alanine at codon 724 is replaced by serine, an amino acid with similar properties. This amino acid position is highly conserved in available vertebrate species. In addition, this alteration is predicted to be deleterious by in silico analysis. Since supporting evidence is limited at this time, the clinical significance of this alteration remains unclear.